The following is an entry in ClinVar:

ClinVar aggregate classification (germline): Pathogenic/Likely pathogenic. Review status: criteria provided, multiple submitters, no conflicts (2 of 4 stars). 3 submissions from 3 submitters: Pathogenic (2); Likely pathogenic (1). Last evaluated 2025-11-05.

Conditions:
Imagawa-Matsumoto syndrome. Identifiers: Orphanet 659463, MedGen C5394073, MONDO:0032916, OMIM 618786.
Inborn genetic diseases. Identifiers: MedGen C0950123, MeSH D030342.

Submissions (3):

GeneDx
Classification: Pathogenic. Last evaluated: 2025-11-05. Review status: criteria provided, single submitter. Criteria: GeneDx Variant Classification Process June 2021. Collection method: clinical testing. Allele origin: germline.
Comment: Has been noted in a review publication as a variant listed in ClinVar (PMID: 36645289); Nonsense variant predicted to result in protein truncation or nonsense mediated decay in a gene for which loss of function is a known mechanism of disease; Not observed at significant frequency in large population cohorts (gnomAD); This variant is associated with the following publications: (PMID: 36645289)

Revvity Omics, Revvity
Classification: Likely pathogenic for Imagawa-Matsumoto syndrome. Last evaluated: 2025-03-29. Review status: criteria provided, single submitter. Criteria: ACMG Guidelines, 2015. Collection method: clinical testing. Allele origin: germline.

Ambry Genetics
Classification: Pathogenic for Inborn genetic diseases. Last evaluated: 2020-08-19. Review status: criteria provided, single submitter. Criteria: Ambry Variant Classification Scheme 2023. Collection method: clinical testing. Allele origin: germline.
Comment: The alteration results in a premature stop codon: _x000D_ _x000D_ The c.361C>T (p.R121*) alteration, located in coding exon 3 of the SUZ12 gene, results from a C to T substitution at nucleotide position 361. This changes the amino acid from an arginine (R) to a stop codon at amino acid position 121. This alteration is expected to result in loss of function by premature protein truncation or nonsense-mediated mRNA decay. The alteration is not observed in population databases:_x000D_ _x000D_ Based on data from the Genome Aggregation Database (gnomAD), the SUZ12 c.361C>T alteration was not observed, with coverage at this position. Based on the available evidence, this alteration is classified as pathogenic.

NM_015355.4(SUZ12):c.361C>T (p.Arg121Ter)

Gene: SUZ12 (SUZ12 polycomb repressive complex 2 subunit; plus strand). Cytogenetic location: 17q11.2.
Variant type: single nucleotide variant.
Coding change: c.361C>T on transcript NM_015355.4 (MANE Select); coding-DNA position 361, C replaced by T.
Protein change: p.Arg121Ter; replaces arginine 121 with a stop codon.
Molecular consequence: nonsense.
Genome position (GRCh38, 1-based): chr17:31,940,461, C>T. VCF-style: chr17-31940461-C-T. GRCh37 (hg19) VCF-style: chr17-30267480-C-T.
Other names: c.361C>T, p.Arg121Ter (NM_001321207.2); short protein forms R121*.
Identifiers: ClinVar variation 985704 (VCV000985704.7), dbSNP rs750383066, ClinGen allele CA399032552.